The following is an entry in ClinVar:

ClinVar aggregate classification (germline): Uncertain significance (1 of 4 stars; one submission).

Conditions:
Hereditary antithrombin deficiency (AT3D). Also called: Antithrombin deficiency; Antithrombin III deficiency; Thrombophilia due to antithrombin III deficiency; Reduced antithrombin III activity. Identifiers: Orphanet 82, MedGen C0272375, MONDO:0013144, OMIM 613118, HP:0001976.

Submission:

Labcorp Genetics (formerly Invitae), Labcorp
Classification: Uncertain significance for Antithrombin III deficiency. Last evaluated: 2019-10-19. Review status: criteria provided, single submitter. Criteria: Invitae Variant Classification Sherloc (09022015). Collection method: clinical testing. Allele origin: germline.
Comment: This sequence change replaces leucine with proline at codon 162 of the SERPINC1 protein (p.Leu162Pro). The leucine residue is highly conserved and there is a moderate physicochemical difference between leucine and proline. This variant is not present in population databases (ExAC no frequency). This variant has not been reported in the literature in individuals with SERPINC1-related conditions. Algorithms developed to predict the effect of missense changes on protein structure and function (SIFT, PolyPhen-2, Align-GVGD) all suggest that this variant is likely to be disruptive, but these predictions have not been confirmed by published functional studies and their clinical significance is uncertain. In summary, the available evidence is currently insufficient to determine the role of this variant in disease. Therefore, it has been classified as a Variant of Uncertain Significance.

NM_000488.4(SERPINC1):c.485T>C (p.Leu162Pro)

Gene: SERPINC1 (serpin family C member 1; minus strand). Cytogenetic location: 1q25.1.
Variant type: single nucleotide variant.
Coding change: c.485T>C on transcript NM_000488.4 (MANE Select); coding-DNA position 485, T replaced by C.
Protein change: p.Leu162Pro; replaces leucine 162 with proline.
Molecular consequence: missense variant. On other transcripts: intron variant (1).
Genome position (GRCh38, 1-based): chr1:173,911,938, A>G on the plus strand (T>C on the coding strand, the complement: SERPINC1 is on the minus strand). VCF-style: chr1-173911938-A-G. GRCh37 (hg19) VCF-style: chr1-173881076-A-G.
Other names: c.341T>C, p.Leu114Pro (NM_001365052.2); c.485T>C, p.Leu162Pro (NM_001386302.1, NM_001386304.1, NM_001386305.1); c.566T>C, p.Leu189Pro (NM_001386303.1); c.409-1047T>C (NM_001386306.1); short protein forms L114P, L162P, L189P.
Identifiers: ClinVar variation 970521 (VCV000970521.1), dbSNP rs1657788029, ClinGen allele CA343776650.